The following is an entry in ClinVar:

NM_020822.3(KCNT1):c.3173C>T (p.Ala1058Val)

Gene: KCNT1 (potassium sodium-activated channel subfamily T member 1; plus strand). Cytogenetic location: 9q34.3.
Variant type: single nucleotide variant.
Coding change: c.3173C>T on transcript NM_020822.3 (MANE Select); coding-DNA position 3173, C replaced by T.
Protein change: p.Ala1058Val; replaces alanine 1058 with valine.
Molecular consequence: missense variant.
Genome position (GRCh38, 1-based): chr9:135,785,326, C>T. VCF-style: chr9-135785326-C-T. GRCh37 (hg19) VCF-style: chr9-138677172-C-T.
Other names: p.Ala1058Val; c.3038C>T, p.Ala1013Val (NM_001272003.2); short protein forms A1013V, A1058V.
Identifiers: ClinVar variation 1064328 (VCV001064328.10), dbSNP rs757774262, ClinGen allele CA5327660.

ClinVar aggregate classification (germline): Uncertain significance. Review status: criteria provided, multiple submitters, no conflicts (2 of 4 stars). 2 submissions from 2 submitters: Uncertain significance (2). Last evaluated 2023-06-14.

Conditions:
Autosomal dominant nocturnal frontal lobe epilepsy 5. Also called: KCNT1-Related Epilepsy; CILIARY DYSKINESIA, PRIMARY, 28, WITHOUT SITUS INVERSUS; CILIARY DYSKINESIA, PRIMARY, 28, WITH SITUS INVERSUS; Epilepsy, nocturnal frontal lobe, 5. Identifiers: Orphanet 98784, MedGen C3554306, MONDO:0014002, OMIM 615005.
Developmental and epileptic encephalopathy, 14 (DEE14). Also called: Early infantile epileptic encephalopathy 14. Identifiers: Orphanet 293181, MedGen C3554195, MONDO:0013989, OMIM 614959.

Allele frequency attached by ClinVar (database versions not stated): ExAC 0.00001.
gnomAD v4.1: 27 of 1,612,954 alleles (0.0017%); highest among the groups gnomAD compares: Non-Finnish European, 0.0023%; no homozygotes.

Submissions (2):

Mayo Clinic Laboratories, Mayo Clinic
Classification: Uncertain significance. Last evaluated: 2023-06-14. Review status: criteria provided, single submitter. Criteria: ACMG Guidelines, 2015. Collection method: clinical testing. Allele origin: germline. Observed: 1 variant allele.
Comment: BP4

Labcorp Genetics (formerly Invitae), Labcorp
Classification: Uncertain significance for Autosomal dominant nocturnal frontal lobe epilepsy 5; Developmental and epileptic encephalopathy, 14. Last evaluated: 2023-05-10. Review status: criteria provided, single submitter. Criteria: Invitae Variant Classification Sherloc (09022015). Collection method: clinical testing. Allele origin: germline.
Comment: This sequence change replaces alanine, which is neutral and non-polar, with valine, which is neutral and non-polar, at codon 1058 of the KCNT1 protein (p.Ala1058Val). This variant is present in population databases (rs757774262, gnomAD 0.004%). This variant has not been reported in the literature in individuals affected with KCNT1-related conditions. ClinVar contains an entry for this variant (Variation ID: 1064328). Advanced modeling of protein sequence and biophysical properties (such as structural, functional, and spatial information, amino acid conservation, physicochemical variation, residue mobility, and thermodynamic stability) performed at Invitae indicates that this missense variant is not expected to disrupt KCNT1 protein function. In summary, the available evidence is currently insufficient to determine the role of this variant in disease. Therefore, it has been classified as a Variant of Uncertain Significance.